The following is an entry in ClinVar:

NM_016507.4(CDK12):c.1813G>A (p.Val605Ile)

Gene: CDK12 (cyclin dependent kinase 12; plus strand). Cytogenetic location: 17q12.
Variant type: single nucleotide variant.
Coding change: c.1813G>A on transcript NM_016507.4 (MANE Select); coding-DNA position 1813, G replaced by A.
Protein change: p.Val605Ile; replaces valine 605 with isoleucine.
Molecular consequence: missense variant.
Genome position (GRCh38, 1-based): chr17:39,471,645, G>A. VCF-style: chr17-39471645-G-A. GRCh37 (hg19) VCF-style: chr17-37627898-G-A.
Other names: c.1813G>A, p.Val605Ile (NM_015083.4); short protein forms V605I.
Identifiers: ClinVar variation 4844482 (VCV004844482.1).

ClinVar aggregate classification (germline): Uncertain significance (1 of 4 stars; one submission).

Submission:

Ambry Genetics
Classification: Uncertain significance. Last evaluated: 2026-01-20. Review status: criteria provided, single submitter. Criteria: Ambry Variant Classification Scheme 2023. Collection method: clinical testing. Allele origin: germline.
Comment: The p.V605I variant (also known as c.1813G>A), located in coding exon 2 of the CDK12 gene, results from a G to A substitution at nucleotide position 1813. The valine at codon 605 is replaced by isoleucine, an amino acid with highly similar properties. This amino acid position is conserved. In addition, this alteration is predicted to be tolerated by in silico analysis. Based on the available evidence, the clinical significance of this variant remains unclear.